The following is an entry in ClinVar:

ClinVar aggregate classification (germline): Pathogenic/Likely pathogenic. Review status: criteria provided, multiple submitters, no conflicts (2 of 4 stars). 2 submissions from 2 submitters: Pathogenic (1); Likely pathogenic (1). Last evaluated 2024-08-01.

Conditions:
CFTR-related disorder (CFTR-RD). Also called: CFTR-related disorders; CFTR-related condition. Identifiers: MedGen C5924204, MONDO:7770004.
Bronchiectasis with or without elevated sweat chloride 1 (BESC1). Also called: Cystic Fibrosis-Like Syndrome. Identifiers: Orphanet 60033, MedGen C2749757, MONDO:0008887, OMIM 211400.

Submissions (2):

Natera, Inc.
Classification: Likely pathogenic for CFTR-related disorders. Last evaluated: 2024-08-01. Review status: criteria provided, single submitter. Criteria: Natera Variant Classification Schema (03/2026). Collection method: clinical testing. Allele origin: germline.
Comment: The c.2491-2A>G variant in CFTR is a canonical splice acceptor site variant predicted to affect pre-mRNA splicing, which may result in an abnormal transcript and altered protein product. This variant is expected to result in nonsense mediated decay, truncation, or a dysfunctional protein product. This variant is rare in the general population with a frequency below the threshold expected for the associated phenotype(s). This variant has been observed in one or more individuals affected with the associated recessive disease, as either homozygous or compound heterozygous with a second variant (PMID: 35858753). Given the available evidence, this variant is classified as Likely Pathogenic.

Baylor Genetics
Classification: Pathogenic for Bronchiectasis with or without elevated sweat chloride 1. Last evaluated: 2023-12-30. Review status: criteria provided, single submitter. Criteria: ACMG Guidelines, 2015. Collection method: clinical testing. Allele origin: unknown.

Literature cited by the submitters: PubMed 35858753 (cited by Natera, Inc.).

NM_000492.4(CFTR):c.2491-2A>G

Gene: CFTR (CF transmembrane conductance regulator; plus strand). Cytogenetic location: 7q31.2.
Variant type: single nucleotide variant.
Coding change: c.2491-2A>G on transcript NM_000492.4 (MANE Select); the canonical splice acceptor site of the intron before coding-DNA position 2491, A replaced by G.
Molecular consequence: splice acceptor variant.
Genome position (GRCh38, 1-based): chr7:117,594,928, A>G. VCF-style: chr7-117594928-A-G. GRCh37 (hg19) VCF-style: chr7-117234982-A-G.
Identifiers: ClinVar variation 3241142 (VCV003241142.2), dbSNP rs397508386.